The following is an entry in ClinVar:

ClinVar aggregate classification (germline): Uncertain significance (1 of 4 stars; one submission).

Allele frequency attached by ClinVar (database versions not stated): ExAC 0.00001; gnomAD 0.00002.
gnomAD v4.1: 38 of 1,614,100 alleles (0.0024%); highest among the groups gnomAD compares: Non-Finnish European, 0.0031%; no homozygotes.

Submission:

CeGaT Center for Human Genetics Tuebingen
Classification: Uncertain significance. Last evaluated: 2022-07-01. Review status: criteria provided, single submitter. Criteria: CeGaT Center For Human Genetics Tuebingen Variant Classification Criteria Version 2. Collection method: clinical testing. Allele origin: germline. Affected: yes. Observed: 1 variant allele.
Comment: POGZ: PP2

NM_015100.4(POGZ):c.3970C>G (p.Leu1324Val)

Gene: POGZ (pogo transposable element derived with ZNF domain; minus strand). Cytogenetic location: 1q21.3.
Variant type: single nucleotide variant.
Coding change: c.3970C>G on transcript NM_015100.4 (MANE Select); coding-DNA position 3970, C replaced by G.
Protein change: p.Leu1324Val; replaces leucine 1324 with valine.
Molecular consequence: missense variant.
Genome position (GRCh38, 1-based): chr1:151,405,065, G>C on the plus strand (C>G on the coding strand, the complement: POGZ is on the minus strand). VCF-style: chr1-151405065-G-C. GRCh37 (hg19) VCF-style: chr1-151377541-G-C.
Other names: c.3811C>G, p.Leu1271Val (NM_207171.2); c.3943C>G, p.Leu1315Val (NM_001194937.2); c.3784C>G, p.Leu1262Val (NM_001194938.2); c.3991C>G, p.Leu1331Val (NM_001410860.1); c.3685C>G, p.Leu1229Val (NM_145796.4); short protein forms L1229V, L1262V, L1271V, L1315V, L1324V, L1331V.
Identifiers: ClinVar variation 2639173 (VCV002639173.24), dbSNP rs749911775, ClinGen allele CA1090888.
Genomic context (GRCh38, chr1:151,405,065, plus strand): 5'-CAGCATTTCTTGTAGGTGAGTTAATGTTGCCATCGGGGCCAGGCAGAACACTAGCCACCA[G>C]GAAGGAGCGCTGAACTAGCTCTGGACAGTCCCCAATGACACCTAGCACTTCACCCAGCCA-3'
Protein context (NP_055915.2, residues 1314-1334): DCPELVQRSF[Leu1324Val]VASVLPGPDG